The following is an entry in ClinVar:

ClinVar aggregate classification (germline): Uncertain significance (1 of 4 stars; one submission).

gnomAD v4.1: 1 of 1,517,260 alleles (0.000066%); highest among the groups gnomAD compares: Admixed American, 0.0023%; no homozygotes.

Submission:

GeneDx
Classification: Uncertain significance. Last evaluated: 2024-02-21. Review status: criteria provided, single submitter. Criteria: GeneDx Variant Classification Process June 2021. Collection method: clinical testing. Allele origin: germline. Affected: yes.
Comment: Not observed at significant frequency in large population cohorts (gnomAD); In silico analysis supports that this missense variant does not alter protein structure/function; Has not been previously published as pathogenic or benign to our knowledge

NM_001470.4(GABBR1):c.2771C>T (p.Ser924Phe)

Gene: GABBR1 (gamma-aminobutyric acid type B receptor subunit 1; minus strand). Cytogenetic location: 6p22.1.
Variant type: single nucleotide variant.
Coding change: c.2771C>T on transcript NM_001470.4 (MANE Select); coding-DNA position 2771, C replaced by T.
Protein change: p.Ser924Phe; replaces serine 924 with phenylalanine.
Molecular consequence: missense variant.
Genome position (GRCh38, 1-based): chr6:29,603,658, G>A on the plus strand (C>T on the coding strand, the complement: GABBR1 is on the minus strand). VCF-style: chr6-29603658-G-A. GRCh37 (hg19) VCF-style: chr6-29571435-G-A.
Other names: c.2240C>T, p.Ser747Phe (NM_001319053.2); c.2420C>T, p.Ser807Phe (NM_021903.3); c.2585C>T, p.Ser862Phe (NM_021904.4); short protein forms S747F, S807F, S862F, S924F.
Identifiers: ClinVar variation 3359687 (VCV003359687.1).